The following is an entry in ClinVar:

NM_005901.6(SMAD2):c.74C>G (p.Ser25Cys)

Gene: SMAD2 (SMAD family member 2; minus strand). Cytogenetic location: 18q21.1.
Variant type: single nucleotide variant.
Coding change: c.74C>G on transcript NM_005901.6 (MANE Select); coding-DNA position 74, C replaced by G.
Protein change: p.Ser25Cys; replaces serine 25 with cysteine.
Molecular consequence: missense variant.
Genome position (GRCh38, 1-based): chr18:47,896,683, G>C on the plus strand (C>G on the coding strand, the complement: SMAD2 is on the minus strand). VCF-style: chr18-47896683-G-C. GRCh37 (hg19) VCF-style: chr18-45423054-G-C.
Other names: c.74C>G, p.Ser25Cys (NM_001003652.4, NM_001135937.3); short protein forms S25C.
Identifiers: ClinVar variation 1949585 (VCV001949585.5), dbSNP rs143058641, ClinGen allele CA8956341.
Genomic context (GRCh38, chr18:47,896,683, plus strand): 5'-ACTGCTTTCTCACACCACTTTTCTTCCTGCCCATTCTGCTCTCCTCCGCCTGCTCCTCCA[G>C]ACCCACCAGCTGACTTCTTCCATCCCAGCAGTCTCTTCACAACTGGCGGCGTGAATGGCA-3'
Protein context (NP_005892.1, residues 15-35): LLGWKKSAGG[Ser25Cys]GGAGGGEQNG

ClinVar aggregate classification (germline): Uncertain significance (1 of 4 stars; one submission).

Allele frequency attached by ClinVar (database versions not stated): ExAC 0.00001; gnomAD 0.00001; TOPMed 0.00001; ESP Exome Variant Server 0.00008.
gnomAD v4.1: 8 of 1,613,896 alleles (0.0005%); highest among the groups gnomAD compares: Non-Finnish European, 0.00068%; no homozygotes.

Submission:

Labcorp Genetics (formerly Invitae), Labcorp
Classification: Uncertain significance. Last evaluated: 2024-05-08. Review status: criteria provided, single submitter. Criteria: Invitae Variant Classification Sherloc (09022015). Collection method: clinical testing. Allele origin: germline.
Comment: This sequence change replaces serine, which is neutral and polar, with cysteine, which is neutral and slightly polar, at codon 25 of the SMAD2 protein (p.Ser25Cys). This variant is present in population databases (rs143058641, gnomAD 0.0009%). This variant has not been reported in the literature in individuals affected with SMAD2-related conditions. ClinVar contains an entry for this variant (Variation ID: 1949585). Advanced modeling of protein sequence and biophysical properties (such as structural, functional, and spatial information, amino acid conservation, physicochemical variation, residue mobility, and thermodynamic stability) performed at Invitae indicates that this missense variant is not expected to disrupt SMAD2 protein function with a negative predictive value of 95%. In summary, the available evidence is currently insufficient to determine the role of this variant in disease. Therefore, it has been classified as a Variant of Uncertain Significance.